The following is an entry in ClinVar:

NM_000548.5(TSC2):c.3527C>T (p.Pro1176Leu)

Gene: TSC2 (TSC complex subunit 2; plus strand). Cytogenetic location: 16p13.3.
Variant type: single nucleotide variant.
Coding change: c.3527C>T on transcript NM_000548.5 (MANE Select); coding-DNA position 3527, C replaced by T.
Protein change: p.Pro1176Leu; replaces proline 1176 with leucine.
Molecular consequence: missense variant.
Genome position (GRCh38, 1-based): chr16:2,080,294, C>T. VCF-style: chr16-2080294-C-T. GRCh37 (hg19) VCF-style: chr16-2130295-C-T.
Other names: c.3395C>T, p.Pro1132Leu (NM_001077183.3, NM_001370404.1); c.3527C>T, p.Pro1176Leu (NM_001114382.3); c.3287C>T, p.Pro1096Leu (NM_001318827.2); c.3251C>T, p.Pro1084Leu (NM_001318829.2); c.2795C>T, p.Pro932Leu (NM_001318831.2); c.3428C>T, p.Pro1143Leu (NM_001318832.2); c.3398C>T, p.Pro1133Leu (NM_001363528.2, NM_001370405.1, NM_021055.3); short protein forms P1176L, P1132L, P1084L, P1133L, P1096L, P1143L, P932L.
Identifiers: ClinVar variation 486701 (VCV000486701.20), dbSNP rs753110463, ClinGen allele CA047314.

ClinVar aggregate classification (germline): Uncertain significance. Review status: criteria provided, multiple submitters, no conflicts (2 of 4 stars). 4 submissions from 4 submitters: Uncertain significance (4). Last evaluated 2025-04-13.

Conditions:
Hereditary cancer-predisposing syndrome. Also called: Tumor predisposition; Neoplastic Syndromes, Hereditary; Hereditary Cancer Syndrome; Hereditary neoplastic syndrome. Identifiers: Orphanet 140162, MedGen C0027672, MeSH D009386, MONDO:0015356.
Tuberous sclerosis syndrome (TSC). Also called: Tuberous Sclerosis Complex; Tuberous sclerosis. Identifiers: Orphanet 805, MedGen C0041341, MONDO:0001734.
Tuberous sclerosis 2 (TSC2). Identifiers: Orphanet 805, MedGen C1860707, MONDO:0013199, OMIM 613254.

Allele frequency attached by ClinVar (database versions not stated): ExAC 0.00001.

Submissions (4):

Ambry Genetics
Classification: Uncertain significance for Hereditary cancer-predisposing syndrome. Last evaluated: 2025-04-13. Review status: criteria provided, single submitter. Criteria: Ambry Variant Classification Scheme 2023. Collection method: clinical testing. Allele origin: germline.

Labcorp Genetics (formerly Invitae), Labcorp
Classification: Uncertain significance for Tuberous sclerosis 2. Last evaluated: 2024-04-10. Review status: criteria provided, single submitter. Criteria: Invitae Variant Classification Sherloc (09022015). Collection method: clinical testing. Allele origin: germline.
Comment: This sequence change replaces proline, which is neutral and non-polar, with leucine, which is neutral and non-polar, at codon 1176 of the TSC2 protein (p.Pro1176Leu). This variant is not present in population databases (gnomAD no frequency). This variant has not been reported in the literature in individuals affected with TSC2-related conditions. ClinVar contains an entry for this variant (Variation ID: 486701). Advanced modeling of protein sequence and biophysical properties (such as structural, functional, and spatial information, amino acid conservation, physicochemical variation, residue mobility, and thermodynamic stability) performed at Invitae indicates that this missense variant is not expected to disrupt TSC2 protein function with a negative predictive value of 95%. In summary, the available evidence is currently insufficient to determine the role of this variant in disease. Therefore, it has been classified as a Variant of Uncertain Significance.

All of Us Research Program, National Institutes of Health
Classification: Uncertain significance for Tuberous sclerosis syndrome. Last evaluated: 2023-05-16. Review status: criteria provided, single submitter. Criteria: ACMG Guidelines, 2015. Collection method: clinical testing. Allele origin: germline. Inheritance: Autosomal dominant inheritance. Observed: 1 variant allele, 1 heterozygote.
Comment: This missense variant replaces proline with leucine at codon 1176 of the TSC2 protein. Computational prediction suggests that this variant may not impact protein structure and function (internally defined REVEL score threshold <= 0.5, PMID: 27666373). To our knowledge, functional studies have not been reported for this variant. This variant has not been reported in individuals affected with TSC2-related disorders in the literature. This variant has not been identified in the general population by the Genome Aggregation Database (gnomAD). The available evidence is insufficient to determine the role of this variant in disease conclusively. Therefore, this variant is classified as a Variant of Uncertain Significance.

This study involves interpretation of variants in research participants for the purpose of population health screening. Participant phenotype was not available at the time of variant classification. Additional details can be found in publication PMID: 35346344, PMCID: PMC8962531

Genome-Nilou Lab
Classification: Uncertain significance for Tuberous sclerosis 2. Last evaluated: 2021-11-07. Review status: criteria provided, single submitter. Criteria: ACMG Guidelines, 2015. Collection method: clinical testing. Allele origin: germline. Affected: no.